The following is an entry in ClinVar:

ClinVar aggregate classification (germline): Uncertain significance (1 of 4 stars; one submission).

Submission:

GeneDx
Classification: Uncertain significance. Last evaluated: 2019-08-20. Review status: criteria provided, single submitter. Criteria: GeneDx Variant Classification Process June 2021. Collection method: clinical testing. Allele origin: germline. Affected: yes.
Comment: Not observed in large population cohorts (Lek et al., 2016); Missense variant in a gene in which most reported pathogenic variants are truncating/loss-of-function; Has not been previously published as pathogenic or benign to our knowledge

NM_001267550.2(TTN):c.61990A>C (p.Asn20664His)

Genes: TTN (titin; minus strand), TTN-AS1 (TTN antisense RNA 1; plus strand). Cytogenetic location: 2q31.2.
Variant type: single nucleotide variant.
Coding change: c.61990A>C on transcript NM_001267550.2 (MANE Select); coding-DNA position 61990, A replaced by C.
Protein change: p.Asn20664His; replaces asparagine 20664 with histidine.
Molecular consequence: missense variant.
Genome position (GRCh38, 1-based): chr2:178,589,735, T>G on the plus strand (A>C on the coding strand, the complement: TTN is on the minus strand). VCF-style: chr2-178589735-T-G. GRCh37 (hg19) VCF-style: chr2-179454462-T-G.
Other names: c.57067A>C, p.Asn19023His (NM_001256850.1); c.34795A>C, p.Asn11599His (NM_003319.4); c.54286A>C, p.Asn18096His (NM_133378.4); c.35170A>C, p.Asn11724His (NM_133432.3); c.35371A>C, p.Asn11791His (NM_133437.4); short protein forms N11599H, N11724H, N11791H, N18096H, N19023H, N20664H.
Identifiers: ClinVar variation 1307960 (VCV001307960.2), dbSNP rs879206414, ClinGen allele CA349466840.